The following is an entry in ClinVar:

ClinVar aggregate classification (germline): Benign. Review status: reviewed by expert panel (3 of 4 stars). 18 submissions from 18 submitters: Benign (1). 17 of the submissions do not count toward it. Last evaluated 2013-09-05.

Conditions:
Lynch syndrome. Identifiers: Orphanet 144, MedGen C4552100, MONDO:0005835. Disease mechanism: loss of function.
Hereditary cancer-predisposing syndrome. Also called: Neoplastic Syndromes, Hereditary; Hereditary Cancer Syndrome; Tumor predisposition; Hereditary neoplastic syndrome. Identifiers: Orphanet 140162, MedGen C0027672, MeSH D009386, MONDO:0015356.
Lynch syndrome 4 (LYNCH4). Also called: Hereditary non-polyposis colorectal cancer, type 4; Colorectal cancer, hereditary nonpolyposis, type 4. Identifiers: Orphanet 144, MedGen C1838333, MONDO:0013699, OMIM 614337. Disease mechanism: loss of function.
Hereditary nonpolyposis colorectal neoplasms. Identifiers: MedGen C0009405, MeSH D003123.

Allele frequency attached by ClinVar (database versions not stated): ESP Exome Variant Server 0.02451; gnomAD 0.03944 and 0.04757; TOPMed 0.04268; gnomAD exomes 0.04655 and 0.08038; ExAC 0.08050; 1000 Genomes Project 30x 0.10775; 1000 Genomes Project 0.11362.
gnomAD v4.1: 75,316 of 1,602,532 alleles (4.7%); highest among the groups gnomAD compares: East Asian, 36%; 5,115 homozygotes.

Submissions (18):

International Society for Gastrointestinal Hereditary Tumours (InSiGHT)
Classification: Benign for Lynch Syndrome. Last evaluated: 2013-09-05. Review status: reviewed by expert panel. Criteria: Guidelines v1.9. Collection method: research. Allele origin: germline.
Comment: MAF >1%

Classified with v1.9 guidelines
ClinVar note: Converted during submission from no known pathogenicity to Benign.

Labcorp Genetics (formerly Invitae), Labcorp
Classification: Benign for Hereditary nonpolyposis colorectal neoplasms. Last evaluated: 2026-02-04. Review status: criteria provided, single submitter. Criteria: Invitae Variant Classification Sherloc (09022015). Collection method: clinical testing. Allele origin: germline. Not counted in ClinVar's aggregate classification.

ARUP Laboratories, Molecular Genetics and Genomics, ARUP Laboratories
Classification: Benign. Last evaluated: 2025-07-24. Review status: criteria provided, single submitter. Criteria: ARUP Molecular Germline Variant Investigation Process 2024. Collection method: clinical testing. Allele origin: germline. Not counted in ClinVar's aggregate classification.

GeneKor MSA
Classification: Benign for Lynch syndrome. Last evaluated: 2025-07-10. Review status: criteria provided, single submitter. Criteria: ACMG Guidelines, 2015. Collection method: clinical testing. Allele origin: germline. Not counted in ClinVar's aggregate classification.

Center for Genomic Medicine, Rigshospitalet, Copenhagen University Hospital
Classification: Benign. Last evaluated: 2025-03-04. Review status: criteria provided, single submitter. Criteria: ACMG Guidelines, 2015. Collection method: clinical testing. Allele origin: germline. Not counted in ClinVar's aggregate classification.

Myriad Genetics, Inc.
Classification: Benign for Lynch syndrome 4. Last evaluated: 2025-01-24. Review status: criteria provided, single submitter. Criteria: Myriad Autosomal Dominant, Autosomal Recessive and X-Linked Classification Criteria (2023). Collection method: clinical testing. Allele origin: unknown. Not counted in ClinVar's aggregate classification.
Comment: This variant is considered benign. This variant is a silent/synonymous amino acid change and it is not expected to impact splicing.

Blueprint Genetics
Classification: Likely benign. Last evaluated: 2024-11-27. Review status: criteria provided, single submitter. Criteria: ACMG Guidelines, 2015. Collection method: clinical testing. Allele origin: germline. Not counted in ClinVar's aggregate classification.

KCCC/NGS Laboratory, Kuwait Cancer Control Center
Classification: Benign for Lynch syndrome 4. Last evaluated: 2023-07-07. Review status: criteria provided, single submitter. Criteria: ACMG Guidelines, 2015. Collection method: clinical testing. Allele origin: germline. Affected: yes. Not counted in ClinVar's aggregate classification.

Illumina Laboratory Services, Illumina
Classification: Benign for Lynch syndrome 4. Last evaluated: 2018-01-13. Review status: criteria provided, single submitter. Criteria: ICSL Variant Classification Criteria 13 December 2019. Collection method: clinical testing. Allele origin: germline. Not counted in ClinVar's aggregate classification.
Comment: This variant was observed in the ICSL laboratory as part of a predisposition screen in an ostensibly healthy population. It had not been previously curated by ICSL or reported in the Human Gene Mutation Database (HGMD: prior to June 1st, 2018), and was therefore a candidate for classification through an automated scoring system. Utilizing variant allele frequency, disease prevalence and penetrance estimates, and inheritance mode, an automated score was calculated to assess if this variant is too frequent to cause the disease. Based on the score and internal cut-off values, a variant classified as benign is not then subjected to further curation. The score for this variant resulted in a classification of benign for this disease.

Color Diagnostics, LLC DBA Color Health
Classification: Benign for Hereditary cancer-predisposing syndrome. Last evaluated: 2015-04-01. Review status: criteria provided, single submitter. Criteria: ACMG Guidelines, 2015. Collection method: clinical testing. Allele origin: germline. Not counted in ClinVar's aggregate classification.

GeneDx
Classification: Benign. Last evaluated: 2015-03-03. Review status: criteria provided, single submitter. Criteria: GeneDx Variant Classification Process June 2021. Collection method: clinical testing. Allele origin: germline. Affected: yes. Not counted in ClinVar's aggregate classification.

Ambry Genetics
Classification: Benign for Hereditary cancer-predisposing syndrome. Last evaluated: 2014-11-18. Review status: criteria provided, single submitter. Criteria: Ambry Variant Classification Scheme 2023. Collection method: clinical testing. Allele origin: germline. Not counted in ClinVar's aggregate classification.

PreventionGenetics, part of Exact Sciences
Classification: Benign. Review status: criteria provided, single submitter. Criteria: ACMG Guidelines, 2015. Collection method: clinical testing. Allele origin: germline. Not counted in ClinVar's aggregate classification.

Clinical Genetics Laboratory, Department of Pathology, Netherlands Cancer Institute
Classification: Benign. Review status: no assertion criteria provided. Collection method: clinical testing. Allele origin: germline. Affected: yes. Study: VKGL Data-share Consensus. Not counted in ClinVar's aggregate classification.

Clinical Genetics, Academic Medical Center
Classification: Benign. Review status: no assertion criteria provided. Collection method: clinical testing. Allele origin: germline. Affected: yes. Study: VKGL Data-share Consensus. Not counted in ClinVar's aggregate classification.

Diagnostic Laboratory, Department of Genetics, University Medical Center Groningen
Classification: Benign for Lynch syndrome 4. Review status: no assertion criteria provided. Collection method: clinical testing. Allele origin: germline. Affected: yes. Study: VKGL Data-share Consensus. Not counted in ClinVar's aggregate classification.

Joint Genome Diagnostic Labs from Nijmegen and Maastricht, Radboudumc and MUMC+
Classification: Benign. Review status: no assertion criteria provided. Collection method: clinical testing. Allele origin: germline. Affected: yes. Study: VKGL Data-share Consensus. Not counted in ClinVar's aggregate classification.

Mayo Clinic Laboratories, Mayo Clinic
Classification: Benign. Review status: no assertion criteria provided. Collection method: clinical testing. Allele origin: unknown. Not counted in ClinVar's aggregate classification.

NM_000535.7(PMS2):c.288C>T (p.Ala96=)

Gene: PMS2 (PMS1 homolog 2, mismatch repair system component; minus strand). Cytogenetic location: 7p22.1.
Variant type: single nucleotide variant.
Coding change: c.288C>T on transcript NM_000535.7 (MANE Select); coding-DNA position 288, C replaced by T.
Protein change: p.Ala96=; no amino-acid change (alanine 96 retained).
Molecular consequence: synonymous variant. On other transcripts: 5 prime UTR variant (9), non-coding transcript variant (1), intron variant (2).
Genome position (GRCh38, 1-based): chr7:6,003,755, G>A on the plus strand (C>T on the coding strand, the complement: PMS2 is on the minus strand). VCF-style: chr7-6003755-G-A. GRCh37 (hg19) VCF-style: chr7-6043386-G-A.
Other names: c.-118C>T (NM_001322003.2, NM_001322004.2, NM_001322005.2 and 3 more transcripts); c.288C>T, p.Ala96= (NM_001322006.2, NM_001322014.2); c.-597C>T (NM_001322011.2, NM_001322012.2); c.-197C>T (NM_001322015.2); c.35+217C>T (NM_001322008.2, NM_001322007.2).
Identifiers: ClinVar variation 91350 (VCV000091350.47), dbSNP rs12532895, ClinGen allele CA011762.
Genomic context (GRCh38, chr7:6,003,755, plus strand): 5'-TGCACAAAGTGAGCTCAGAGCTTCCCCCCGAAAGCCAAAAGTTTCAACCTGAGTTAGGTC[G>A]GCAAACTCTTGAATCTTAGATGTGTGATGTTTCAGAGCTGAAAGAGAGTGTAAAGTAAGG-3'
Protein context (NP_000526.2, residues 86-106): KHHTSKIQEF[Ala96=]DLTQVETFGF